The following is an entry in ClinVar:

NM_004006.3(DMD):c.6762+311A>T

Gene: DMD (dystrophin; minus strand). Cytogenetic location: Xp21.1.
Variant type: single nucleotide variant.
Coding change: c.6762+311A>T on transcript NM_004006.3 (MANE Select); 311 bases into the intron after coding-DNA position 6762, A replaced by T.
Molecular consequence: intron variant.
Genome position (GRCh38, 1-based): chrX:31,931,769, T>A on the plus strand (A>T on the coding strand, the complement: DMD is on the minus strand). VCF-style: chrX-31931769-T-A. GRCh37 (hg19) VCF-style: chrX-31949886-T-A.
Other names: c.6738+311A>T (NM_000109.4); c.2739+311A>T (NM_004011.4); c.2730+311A>T (NM_004012.4); c.-619+311A>T (NM_004023.3, NM_004020.4, NM_004022.3 and 2 more transcripts); c.6750+311A>T (NM_004009.3); c.6393+311A>T (NM_004010.3).
Identifiers: ClinVar variation 680987 (VCV000680987.1), dbSNP rs139490827, ClinGen allele CA328487779.

ClinVar aggregate classification (germline): Likely benign (1 of 4 stars; one submission).

Allele frequency attached by ClinVar (database versions not stated): gnomAD 0.00772 and 0.00821; TOPMed 0.00859; 1000 Genomes Project 0.00874; 1000 Genomes Project 30x 0.00937.
gnomAD v4.1: 855 of 111,424 alleles (0.77%); highest among the groups gnomAD compares: African/African-American, 2.6%; 9 homozygotes.

Submission:

GeneDx
Classification: Likely benign. Last evaluated: 2018-06-16. Review status: criteria provided, single submitter. Criteria: GeneDx Variant Classification (06012015). Collection method: clinical testing. Allele origin: germline. Affected: yes.
Comment: This variant is considered likely benign or benign based on one or more of the following criteria: it is a conservative change, it occurs at a poorly conserved position in the protein, it is predicted to be benign by multiple in silico algorithms, and/or has population frequency not consistent with disease.